The following is an entry in ClinVar:

ClinVar aggregate classification (germline): Pathogenic (1 of 4 stars; one submission).

Submission:

Labcorp Genetics (formerly Invitae), Labcorp
Classification: Pathogenic. Last evaluated: 2023-04-22. Review status: criteria provided, single submitter. Criteria: Invitae Variant Classification Sherloc (09022015). Collection method: clinical testing. Allele origin: germline.
Comment: For these reasons, this variant has been classified as Pathogenic. This variant has not been reported in the literature in individuals affected with PHYH-related conditions. This variant is a gross deletion of the genomic region encompassing exon(s) 1-2 of the PHYH gene, which includes the initiator codon. This deletion extends beyond the assayed region for this gene and therefore may encompass additional genes. It is expected to result in an absent or disrupted protein product. Loss-of-function variants in PHYH are known to be pathogenic (PMID: 9326940, 14974078).

Literature cited by the submitters: PubMed 9326940; PubMed 14974078.

NC_000010.10:g.(?_13340167)_(13342042_?)del

Gene: PHYH (phytanoyl-CoA 2-hydroxylase; minus strand). Cytogenetic location: 10p13.
Variant type: Deletion.
Identifiers: ClinVar variation 2425533 (VCV002425533.4).